The following is an entry in ClinVar:

NM_020376.4(PNPLA2):c.487-7G>C

Gene: PNPLA2 (patatin like domain 2, triacylglycerol lipase; plus strand). Cytogenetic location: 11p15.5.
Variant type: single nucleotide variant.
Coding change: c.487-7G>C on transcript NM_020376.4 (MANE Select); 7 bases into the intron before coding-DNA position 487, G replaced by C.
Molecular consequence: intron variant.
Genome position (GRCh38, 1-based): chr11:822,390, G>C. VCF-style: chr11-822390-G-C. GRCh37 (hg19) VCF-style: chr11-822390-G-C.
Identifiers: ClinVar variation 306296 (VCV000306296.17), dbSNP rs372342635, ClinGen allele CA5791029.

ClinVar aggregate classification (germline): Conflicting classifications of pathogenicity. Review status: criteria provided, conflicting classifications (1 of 4 stars). 4 submissions from 4 submitters: Uncertain significance (1); Likely benign (2). 1 of the submissions does not count toward it. Last evaluated 2025-12-12.

Conditions:
Neutral lipid storage myopathy (NLSDM). Also called: NEUTRAL LIPID STORAGE DISEASE WITHOUT ICHTHYOSIS. Identifiers: Orphanet 98908, MedGen C1853136, MONDO:0012545, OMIM 610717.
PNPLA2-related disorder. Also called: PNPLA2-related condition.

Allele frequency attached by ClinVar (database versions not stated): gnomAD 0.00003; TOPMed 0.00006.

Submissions (4):

Labcorp Genetics (formerly Invitae), Labcorp
Classification: Likely benign for Neutral lipid storage myopathy. Last evaluated: 2025-12-12. Review status: criteria provided, single submitter. Criteria: Invitae Variant Classification Sherloc (09022015). Collection method: clinical testing. Allele origin: germline.

Blueprint Genetics
Classification: Likely benign. Last evaluated: 2024-02-14. Review status: criteria provided, single submitter. Criteria: ACMG Guidelines, 2015. Collection method: clinical testing. Allele origin: germline.

Illumina Laboratory Services, Illumina
Classification: Uncertain significance for Neutral lipid storage myopathy. Last evaluated: 2018-01-12. Review status: criteria provided, single submitter. Criteria: ICSL Variant Classification Criteria 13 December 2019. Collection method: clinical testing. Allele origin: germline.

PreventionGenetics, part of Exact Sciences
Classification: Likely benign for PNPLA2-related condition. Last evaluated: 2019-07-11. Review status: no assertion criteria provided. Collection method: clinical testing. Allele origin: germline. Not counted in ClinVar's aggregate classification.
Comment: This variant is classified as likely benign based on ACMG/AMP sequence variant interpretation guidelines (Richards et al. 2015 PMID: 25741868, with internal and published modifications).